The following is an entry in ClinVar:

ClinVar aggregate classification (germline): Pathogenic. Review status: reviewed by expert panel (3 of 4 stars). 5 submissions from 5 submitters: Pathogenic (1). 4 of the submissions do not count toward it. Last evaluated 2026-03-18.

Conditions:
BRCA1-related cancer predisposition. Identifiers: MedGen CN377757, MONDO:0700268.
Hereditary cancer-predisposing syndrome. Also called: Tumor predisposition; Hereditary neoplastic syndrome; Hereditary Cancer Syndrome; Neoplastic Syndromes, Hereditary. Identifiers: Orphanet 140162, MedGen C0027672, MeSH D009386, MONDO:0015356.
Hereditary breast ovarian cancer syndrome. Also called: Hereditary breast and/or ovarian cancer syndrome; Breast and ovarian cancer; Hereditary breast and ovarian cancer syndrome; Hereditary breast and ovarian cancer; Hereditary breast and ovarian cancer syndrome (HBOC); BRCA1- and BRCA2-Associated Hereditary Breast and Ovarian Cancer. Identifiers: Orphanet 145, MedGen C0677776, MeSH D061325, MONDO:0003582. Disease mechanism: loss of function.
Breast-ovarian cancer, familial, susceptibility to, 1 (BROVCA1). Also called: BRCA1 Hereditary Breast and Ovarian Cancer; OVARIAN CANCER, SUSCEPTIBILITY TO. Identifiers: Orphanet 145, MedGen C2676676, MONDO:0011450, OMIM 604370. Disease mechanism: loss of function.

Submissions (6):

ClinGen ENIGMA BRCA1 and BRCA2 Variant Curation Expert Panel, ClinGen
Classification: Pathogenic for BRCA1-related cancer predisposition. Last evaluated: 2026-03-18. Review status: reviewed by expert panel. Criteria: CSpec BRCA1/2ACMG Rules Specifications V1.2. Collection method: curation. Allele origin: germline. Inheritance: Autosomal dominant inheritance.
Comment: The c.80+4A>T variant is an intronic variant occurring in intron 2 of the BRCA1 gene. This BRCA1 intronic variant is located outside of the native donor and acceptor 1,2 splice sites, and has a SpliceAI score of 0.66, predicting an impact on splicing (score threshold ≥0.2) (PP3 not applied because a PVS1 code is met). This variant is reported to result in aberrant mRNA splicing. RT-PCRseq demonstrated that the variant impacts splicing by skipping of exon 2 (Ambry internal data). The percent of aberrant transcripts produced was 50-60%, using a non-allele specific quantitative assessment with sequence analysis. We estimate no full-length transcript is produced by the variant allele. Appropriate code strength determined by comparison of results to PVS1 decision tree, PVS1 (RNA). Reported by one calibrated study incorporating mRNA splicing effects to affect protein function similar to pathogenic control variants (PMID:30209399) (PS3 met). This variant is absent from gnomAD v2.1 (exomes only, non-cancer subset, read depth ≥25) and gnomAD v3.1 (non-cancer subset, read depth ≥25) (PM2_Supporting met). In summary, this variant meets the criteria to be classified as a Pathogenic variant for BRCA1-related cancer predisposition based on the ACMG/AMP criteria applied as specified by the ENIGMA BRCA1/2 VCEP (PVS1 (RNA), PS3, PM2_Supporting).

Quest Diagnostics Nichols Institute San Juan Capistrano
Classification: Uncertain significance. Last evaluated: 2024-12-26. Review status: criteria provided, single submitter. Criteria: Quest Diagnostics criteria. Collection method: clinical testing. Allele origin: unknown. Not counted in ClinVar's aggregate classification.
Comment: The BRCA1 c.80+4A>T variant has not been reported in individuals with BRCA1-related conditions in the published literature. This variant has been characterized as being non-functional in a saturation genome editing assay measuring DNA repair-dependent cell proliferation (PMID: 30209399 (2018)). This variant has not been reported in large, multi-ethnic general populations (Genome Aggregation Database). Analysis of this variant using software algorithms for the prediction of the effect of nucleotide changes on BRCA1 mRNA splicing yielded inconclusive findings. Based on the available information, we are unable to determine the clinical significance of this variant.

Ambry Genetics
Classification: Pathogenic for Hereditary cancer-predisposing syndrome. Last evaluated: 2023-06-14. Review status: criteria provided, single submitter. Criteria: Ambry Variant Classification Scheme 2023. Collection method: clinical testing. Allele origin: germline. Not counted in ClinVar's aggregate classification.
Comment: The c.80+4A>T intronic variant results from an A to T substitution 4 nucleotides after coding exon 1 in the BRCA1 gene. This nucleotide position is highly conserved in available vertebrate species. In silico splice site analysis predicts that this alteration will weaken the native splice donor site. RNA studies have demonstrated that this alteration results in abnormal splicing in the set of samples tested (Ambry internal data). Similar alterations at this splice donor site through +5 have been shown to cause skipping of coding exon 1 (also known as Exon 2) with resulting loss of the start codon (Ambry internal data; Steffensen AY et al. Eur J Hum Genet. 2014 Dec;22(12):1362-8). One study found that this nucleotide substitution is non-functional in a high throughput genome editing haploid cell survival assay (Findlay GM et al. Nature, 2018 10;562:217-222). Based on the majority of available evidence to date, this alteration is interpreted as a disease-causing mutation.

Labcorp Genetics (formerly Invitae), Labcorp
Classification: Uncertain significance for Hereditary breast ovarian cancer syndrome. Last evaluated: 2022-10-27. Review status: criteria provided, single submitter. Criteria: Invitae Variant Classification Sherloc (09022015). Collection method: clinical testing. Allele origin: germline. Not counted in ClinVar's aggregate classification.
Comment: ClinVar contains an entry for this variant (Variation ID: 125519). This variant has not been reported in the literature in individuals affected with BRCA1-related conditions. This variant is not present in population databases (gnomAD no frequency). This sequence change falls in intron 2 of the BRCA1 gene. It does not directly change the encoded amino acid sequence of the BRCA1 protein. It affects a nucleotide within the consensus splice site. Algorithms developed to predict the effect of variants on protein structure and function are not available or were not evaluated for this variant. In summary, the available evidence is currently insufficient to determine the role of this variant in disease. Therefore, it has been classified as a Variant of Uncertain Significance. Variants that disrupt the consensus splice site are a relatively common cause of aberrant splicing (PMID: 17576681, 9536098). Algorithms developed to predict the effect of sequence changes on RNA splicing suggest that this variant may disrupt the consensus splice site. Experimental studies have shown that this variant affects BRCA1 function (PMID: 30209399).

Breast Cancer Information Core (BIC) (BRCA1)
Classification: Uncertain significance for Breast-ovarian cancer, familial 1. Last evaluated: 2004-11-25. Review status: no assertion criteria provided. Collection method: clinical testing. Allele origin: germline. Affected: yes. Observed: 1 variant allele. Not counted in ClinVar's aggregate classification.

Brotman Baty Institute, University of Washington
No classification provided (evidence only). Condition: Breast-ovarian cancer, familial 1. Review status: no classification provided. Collection method: in vitro. Allele origin: not applicable. Functional consequence: functionally_abnormal. Not counted in ClinVar's aggregate classification.
ClinVar note: "not provided" was previously submitted as the classification for the variant. However, the classification appeared to be based only on an observation of functional data so it was converted to no classification on 2025-07-30.

Literature cited by the submitters: PubMed 30209399 (cited by 3 submitters); PubMed 17576681 (cited by Labcorp Genetics (formerly Invitae), Labcorp); PubMed 9536098 (cited by Labcorp Genetics (formerly Invitae), Labcorp).

NM_007294.4(BRCA1):c.80+4A>T

Gene: BRCA1 (BRCA1 DNA repair associated; minus strand). Cytogenetic location: 17q21.31.
Variant type: single nucleotide variant.
Coding change: c.80+4A>T on transcript NM_007294.4 (MANE Select); 4 bases into the intron after coding-DNA position 80, A replaced by T.
Molecular consequence: intron variant.
Genome position (GRCh38, 1-based): chr17:43,124,013, T>A on the plus strand (A>T on the coding strand, the complement: BRCA1 is on the minus strand). VCF-style: chr17-43124013-T-A. GRCh37 (hg19) VCF-style: chr17-41276030-T-A.
Other names: IVS2+4A>T; c.-61-8234A>T (NM_001408458.1); c.-219+1264A>T (NM_001407967.1); c.-170+1264A>T (NM_001407959.1); c.-8+1264A>T (NM_001407931.1, NM_001407747.1); c.-224+1264A>T (NM_001407962.1, NM_001408512.1, NM_001408510.1); c.-109+1264A>T (NM_001407885.1); c.-62+1264A>T (NM_001408470.1, NM_001407848.1, NM_001407839.1 and 6 more transcripts); and 24 more.
Identifiers: ClinVar variation 125519 (VCV000125519.16), dbSNP rs80358003, ClinGen allele CA003888.